The following is an entry in ClinVar:

NM_000088.4(COL1A1):c.254_255insGGC (p.Glu85_Val86insAla)

Gene: COL1A1 (collagen type I alpha 1 chain; minus strand). Cytogenetic location: 17q21.33.
Variant type: Insertion.
Coding change: c.254_255insGGC on transcript NM_000088.4 (MANE Select); coding-DNA positions 254 to 255, GGC inserted.
Protein change: p.Glu85_Val86insAla.
Molecular consequence: inframe insertion.
Genome position: GRCh38 VCF-style: chr17-50199796-T-TGCC. GRCh37 (hg19) VCF-style: chr17-48277157-T-TGCC.
Identifiers: ClinVar variation 2822193 (VCV002822193.3), dbSNP rs2509258398, ClinGen allele CA2739268236.
Genomic context (GRCh38, chr17:50,199,796, plus strand): 5'-CCCGAGCGCAGCCGCACCTGAGCCGTCGGGGCAGACGGGACAGCACTCGCCCTCGGGGAC[T>TGCC]TCGGCGCCGGGGCAGTTCTTGGTCTCGTCACAGATCACGTCATCGCACAACACCTTGCCG-3'

ClinVar aggregate classification (germline): Uncertain significance (1 of 4 stars; one submission).

Conditions:
Osteogenesis imperfecta type I (OI1). Also called: OI, TYPE I; OSTEOGENESIS IMPERFECTA TARDA; OSTEOGENESIS IMPERFECTA WITH BLUE SCLERAE; Osteogenesis imperfecta type 1; Lobstein's Disease; Lobstein disease. Identifiers: Orphanet 216796, Orphanet 666, MedGen C0023931, MONDO:0008146, OMIM 166200. Disease mechanism: loss of function.

Submission:

Labcorp Genetics (formerly Invitae), Labcorp
Classification: Uncertain significance for Osteogenesis imperfecta type I. Last evaluated: 2022-12-19. Review status: criteria provided, single submitter. Criteria: Invitae Variant Classification Sherloc (09022015). Collection method: clinical testing. Allele origin: germline.
Comment: This variant, c.254_255insGGC, results in the insertion of 1 amino acid(s) of the COL1A1 protein (p.Glu85_Val86insAla), but otherwise preserves the integrity of the reading frame. In summary, the available evidence is currently insufficient to determine the role of this variant in disease. Therefore, it has been classified as a Variant of Uncertain Significance. This variant has not been reported in the literature in individuals affected with COL1A1-related conditions. This variant is not present in population databases (gnomAD no frequency).